The following is an entry in ClinVar:

NM_001170629.2(CHD8):c.3166A>G (p.Ile1056Val)

Gene: CHD8 (chromodomain helicase DNA binding protein 8; minus strand). Cytogenetic location: 14q11.2.
Variant type: single nucleotide variant.
Coding change: c.3166A>G on transcript NM_001170629.2 (MANE Select); coding-DNA position 3166, A replaced by G.
Protein change: p.Ile1056Val; replaces isoleucine 1056 with valine.
Molecular consequence: missense variant.
Genome position (GRCh38, 1-based): chr14:21,405,350, T>C on the plus strand (A>G on the coding strand, the complement: CHD8 is on the minus strand). VCF-style: chr14-21405350-T-C. GRCh37 (hg19) VCF-style: chr14-21873509-T-C.
Other names: c.2329A>G, p.Ile777Val (NM_020920.4); short protein forms I1056V, I777V.
Identifiers: ClinVar variation 1313562 (VCV001313562.2), dbSNP rs2139475081, ClinGen allele CA388902418.

ClinVar aggregate classification (germline): Uncertain significance (1 of 4 stars; one submission).

Submission:

GeneDx
Classification: Uncertain significance. Last evaluated: 2021-04-09. Review status: criteria provided, single submitter. Criteria: GeneDx Variant Classification Process June 2021. Collection method: clinical testing. Allele origin: germline. Affected: yes.
Comment: Not observed in large population cohorts (Lek et al., 2016); In silico analysis supports that this missense variant does not alter protein structure/function; Has not been previously published as pathogenic or benign to our knowledge